The following is an entry in ClinVar:

NM_000136.3(FANCC):c.103T>A (p.Cys35Ser)

Gene: FANCC (FA complementation group C; minus strand). Cytogenetic location: 9q22.32.
Variant type: single nucleotide variant.
Coding change: c.103T>A on transcript NM_000136.3 (MANE Select); coding-DNA position 103, T replaced by A.
Protein change: p.Cys35Ser; replaces cysteine 35 with serine.
Molecular consequence: missense variant.
Genome position (GRCh38, 1-based): chr9:95,249,189, A>T on the plus strand (T>A on the coding strand, the complement: FANCC is on the minus strand). VCF-style: chr9-95249189-A-T. GRCh37 (hg19) VCF-style: chr9-98011471-A-T.
Other names: c.103T>A, p.Cys35Ser (NM_001243743.2, NM_001243744.2); short protein forms C35S.
Identifiers: ClinVar variation 1773812 (VCV001773812.2), dbSNP rs1588353540, ClinGen allele CA374340327.

ClinVar aggregate classification (germline): Uncertain significance (1 of 4 stars; one submission).

Conditions:
Hereditary cancer-predisposing syndrome. Also called: Hereditary Cancer Syndrome; Hereditary neoplastic syndrome; Neoplastic Syndromes, Hereditary; Tumor predisposition. Identifiers: Orphanet 140162, MedGen C0027672, MeSH D009386, MONDO:0015356.

Submission:

Ambry Genetics
Classification: Uncertain significance for Hereditary cancer-predisposing syndrome. Last evaluated: 2021-12-10. Review status: criteria provided, single submitter. Criteria: Ambry Variant Classification Scheme 2023. Collection method: clinical testing. Allele origin: germline.
Comment: The p.C35S variant (also known as c.103T>A), located in coding exon 1 of the FANCC gene, results from a T to A substitution at nucleotide position 103. The cysteine at codon 35 is replaced by serine, an amino acid with dissimilar properties. This amino acid position is conserved. In addition, the in silico prediction for this alteration is inconclusive. Since supporting evidence is limited at this time, the clinical significance of this alteration remains unclear.